The following is an entry in ClinVar:

NM_001165963.4(SCN1A):c.3850T>C (p.Trp1284Arg)

Genes: SCN1A (sodium voltage-gated channel alpha subunit 1; minus strand), LOC102724058 (uncharacterized LOC102724058; plus strand). Cytogenetic location: 2q24.3.
Variant type: single nucleotide variant.
Coding change: c.3850T>C on transcript NM_001165963.4 (MANE Select); coding-DNA position 3850, T replaced by C.
Protein change: p.Trp1284Arg; replaces tryptophan 1284 with arginine.
Molecular consequence: missense variant. On other transcripts: non-coding transcript variant (1).
Genome position (GRCh38, 1-based): chr2:166,012,138, A>G on the plus strand (T>C on the coding strand, the complement: SCN1A is on the minus strand). VCF-style: chr2-166012138-A-G. GRCh37 (hg19) VCF-style: chr2-166868648-A-G.
Other names: p.W1284R:TGG>CGG; c.3766T>C, p.Trp1256Arg (NM_001165964.3, NM_001353957.2, NM_001353958.2); c.3850T>C, p.Trp1284Arg (NM_001202435.3, NM_001353948.2); c.3817T>C, p.Trp1273Arg (NM_001353949.2, NM_001353950.2, NM_001353951.2 and 2 more transcripts); c.3814T>C, p.Trp1272Arg (NM_001353954.2, NM_001353955.2); c.3763T>C, p.Trp1255Arg (NM_001353960.2); c.1408T>C, p.Trp470Arg (NM_001353961.2); short protein forms W1273R, W1284R, W1256R, W470R, W1272R, W1255R.
Identifiers: ClinVar variation 206811 (VCV000206811.6), dbSNP rs796053001, ClinGen allele CA317404.

ClinVar aggregate classification (germline): Pathogenic/Likely pathogenic. Review status: criteria provided, multiple submitters, no conflicts (2 of 4 stars). 3 submissions from 3 submitters: Pathogenic (1); Likely pathogenic (2). Last evaluated 2022-05-04.

Conditions:
Generalized epilepsy with febrile seizures plus, type 2 (GEFSP2). Also called: GEFS+, TYPE 2. Identifiers: Orphanet 36387, MedGen C1858673, MONDO:0011461, OMIM 604403.
Severe myoclonic epilepsy in infancy (DRVT). Also called: DEVELOPMENTAL AND EPILEPTIC ENCEPHALOPATHY 6A; Severe Myoclonic Epilepsy in Infancy (SMEI); Epileptic encephalopathy, early infantile, 6 (Dravet syndrome); SEVERE MYOCLONIC EPILEPSY OF INFANCY; Dravet syndrome. Identifiers: Orphanet 33069, MedGen C0751122, MONDO:0100135, OMIM 607208.

Submissions (3):

Mendelics
Classification: Pathogenic for Generalized epilepsy with febrile seizures plus, type 2. Last evaluated: 2022-05-04. Review status: criteria provided, single submitter. Criteria: Mendelics Assertion Criteria 2019. Collection method: clinical testing. Allele origin: germline.

Centre for Inherited Metabolic Diseases, Karolinska University Hospital
Classification: Likely pathogenic for Severe myoclonic epilepsy in infancy. Last evaluated: 2021-04-25. Review status: criteria provided, single submitter. Criteria: ACMG Guidelines, 2015. Collection method: clinical testing. Allele origin: unknown. Inheritance: Autosomal dominant inheritance. Affected: yes. Observed: 1 heterozygote.

GeneDx
Classification: Likely pathogenic. Last evaluated: 2017-07-13. Review status: criteria provided, single submitter. Criteria: GeneDx Variant Classification (06012015). Collection method: clinical testing. Allele origin: germline. Affected: yes.
Comment: p.Trp1284Arg (TGG>CGG): c.3850 T>C in exon 19 of the SCN1A gene (NM_001165963.1) The Trp1284Arg missense change has not been published as pathogenic, nor has it been reported as a benign polymorphism to our knowledge. It was not observed in approximately 6,500 individuals of European and African American ancestry in an external variant database, indicating it is not a common benign variant in these populations. This variant is a non-conservative amino acid substitution of an uncharged, non-polar Tryptophan residue with a positively charged Arginine residue. The variant alters a highly conserved position in the S3 subunit in the third transmembrane domain of the protein. A different amino acid substitution at this position (Trp1284Ser) has been published in association with Dravet syndrome. Additionally, in silico analysis predicts this variant is probably damaging to the protein structure/function. Therefore, based on the currently available information, Trp1284Arg is a strong candidate for a pathogenic variant, although the possibility that it is a benign variant cannot be excluded.